The following is an entry in ClinVar:

ClinVar aggregate classification (germline): Pathogenic (1 of 4 stars; one submission).

Conditions:
Inborn genetic diseases. Identifiers: MedGen C0950123, MeSH D030342.

Allele frequency attached by ClinVar (database versions not stated): gnomAD 0.00001; TOPMed 0.00001; gnomAD exomes 0.00002.

Submission:

Ambry Genetics
Classification: Pathogenic for Inborn genetic diseases. Last evaluated: 2022-02-28. Review status: criteria provided, single submitter. Criteria: Ambry Variant Classification Scheme 2023. Collection method: clinical testing. Allele origin: germline.
Comment: The c.1309C>T (p.R437*) alteration, located in exon 13 (coding exon 13) of the VARS2 gene, consists of a C to T substitution at nucleotide position 1309. This changes the amino acid from an arginine (R) to a stop codon at amino acid position 437. This alteration is expected to result in loss of function by premature protein truncation or nonsense-mediated mRNA decay. Based on data from gnomAD, the T allele has an overall frequency of <0.01% (1/228978) total alleles studied. Based on the available evidence, this alteration is classified as pathogenic.

NM_020442.6(VARS2):c.1219C>T (p.Arg407Ter)

Gene: VARS2 (valyl-tRNA synthetase 2, mitochondrial; plus strand). Cytogenetic location: 6p21.33.
Variant type: single nucleotide variant.
Coding change: c.1219C>T on transcript NM_020442.6 (MANE Select); coding-DNA position 1219, C replaced by T.
Protein change: p.Arg407Ter; replaces arginine 407 with a stop codon.
Molecular consequence: nonsense.
Genome position (GRCh38, 1-based): chr6:30,920,142, C>T. VCF-style: chr6-30920142-C-T. GRCh37 (hg19) VCF-style: chr6-30887919-C-T.
Other names: c.799C>T, p.Arg267Ter (NM_001167733.3); c.1309C>T, p.Arg437Ter (NM_001167734.2); short protein forms R407*, R267*, R437*.
Identifiers: ClinVar variation 2272875 (VCV002272875.2), dbSNP rs985673517, ClinGen allele CA136808290.
Genomic context (GRCh38, chr6:30,920,142, plus strand): 5'-CCCCAAGGGGCAGTGAAGGTGACTCCAGCTCACAGTCCTGCCGATGCTGAGATGGGGGCC[C>T]GACATGGCTTGAGCCCCTTGAATGTCATTGCGGAGGATGGGACCATGACCTCCCTCTGCG-3'